The following is an entry in ClinVar:

NM_020461.4(TUBGCP6):c.5275_5285del (p.Pro1759fs)

Gene: TUBGCP6 (tubulin gamma complex component 6; minus strand). Cytogenetic location: 22q13.33.
Variant type: Microsatellite.
Coding change: c.5275_5285del on transcript NM_020461.4 (MANE Select); coding-DNA positions 5275 to 5285, 11 bases deleted (CCTGGGGGCCC).
Protein change: p.Pro1759fs; shifts the reading frame from proline 1759.
Molecular consequence: frameshift variant.
Genome position (GRCh38, 1-based): chr22:50,218,001-50,218,011, GGGCCCCCAGG deleted on the plus strand (CCTGGGGGCCC on the coding strand, the reverse complement: TUBGCP6 is on the minus strand); deleting any 11 consecutive bases within chr22:50,218,001-50,218,022 gives the same sequence; the c. name uses the placement nearest the transcript's 3' end. VCF-style (leftmost placement, unchanged base first): chr22-50218000-CGGGCCCCCAGG-C. GRCh37 (hg19) VCF-style: chr22-50656429-CGGGCCCCCAGG-C.
Other names: c.5275_5285del11 (NM_020461.3); short protein forms P1759fs.
Identifiers: ClinVar variation 961164 (VCV000961164.17), dbSNP rs757636489, ClinGen allele CA10307087.

ClinVar aggregate classification (germline): Conflicting classifications of pathogenicity. Review status: criteria provided, conflicting classifications (1 of 4 stars). 7 submissions from 7 submitters: Likely pathogenic (2); Uncertain significance (5). Last evaluated 2025-03-16.

Conditions:
Inborn genetic diseases. Identifiers: MedGen C0950123, MeSH D030342.
Microcephaly and chorioretinopathy 1. Also called: Microcephaly and chorioretinopathy, autosomal recessive, 1. Identifiers: MedGen C3278481, MONDO:0009624, OMIM 251270.

Submissions (7):

GeneDx
Classification: Likely pathogenic. Last evaluated: 2025-03-16. Review status: criteria provided, single submitter. Criteria: GeneDx Variant Classification Process June 2021. Collection method: clinical testing. Allele origin: germline. Affected: yes.
Comment: Frameshift variant predicted to result in abnormal protein length as the last 61 amino acids are replaced with 67 different amino acids; This variant is associated with the following publications: (PMID: 31964843, 39634241)

Blueprint Genetics
Classification: Uncertain significance. Last evaluated: 2024-07-09. Review status: criteria provided, single submitter. Criteria: ACMG Guidelines, 2015. Collection method: clinical testing. Allele origin: germline.

Institute of Medical Genetics and Genomics, Sir Ganga Ram Hospital
Classification: Likely pathogenic for Microcephaly and chorioretinopathy 1. Last evaluated: 2023-12-25. Review status: criteria provided, single submitter. Criteria: ACMG Guidelines, 2015. Collection method: clinical testing. Allele origin: germline. Inheritance: Autosomal recessive inheritance. Affected: yes. Observed: 1 heterozygote.
Comment: Loss of functions variants are known to cause disease as the disease mechanism [PVS1]. This variant is present in population database with an allele frequency of 0.009% (gnomAD). This heterozygous 11 base deletion found in a compound heterozygous state along with a long ~405 base deletion in 2 similarly afftected individuals of the same family.

Labcorp Genetics (formerly Invitae), Labcorp
Classification: Uncertain significance. Last evaluated: 2022-10-18. Review status: criteria provided, single submitter. Criteria: Invitae Variant Classification Sherloc (09022015). Collection method: clinical testing. Allele origin: germline.
Comment: This sequence change results in a frameshift in the TUBGCP6 gene (p.Pro1759Alafs*68). While this is not anticipated to result in nonsense mediated decay, it is expected to disrupt the last 61 amino acid(s) of the TUBGCP6 protein and extend the protein by 6 additional amino acid residues. This variant is present in population databases (rs757636489, gnomAD 0.01%). This variant has not been reported in the literature in individuals affected with TUBGCP6-related conditions. ClinVar contains an entry for this variant (Variation ID: 961164). Experimental studies and prediction algorithms are not available or were not evaluated, and the functional significance of this variant is currently unknown. In summary, the available evidence is currently insufficient to determine the role of this variant in disease. Therefore, it has been classified as a Variant of Uncertain Significance.

Ambry Genetics
Classification: Uncertain significance for Inborn genetic diseases. Last evaluated: 2022-06-28. Review status: criteria provided, single submitter. Criteria: Ambry Variant Classification Scheme 2023. Collection method: clinical testing. Allele origin: germline.
Comment: Not expected to trigger nonsense-mediated mRNA decay Based on insufficient or conflicting evidence, the clinical significance of this alteration remains unclear.

Department of Pathology and Laboratory Medicine, Sinai Health System
Classification: Uncertain significance for Microcephaly and chorioretinopathy 1. Last evaluated: 2021-10-13. Review status: criteria provided, single submitter. Criteria: ACMG Guidelines, 2015. Collection method: research. Allele origin: germline.

Juno Genomics, Hangzhou Juno Genomics, Inc
Classification: Uncertain significance for Microcephaly and chorioretinopathy 1. Review status: criteria provided, single submitter. Criteria: ACMG Guidelines, 2015. Collection method: clinical testing. Allele origin: germline.
Comment: Absent from controls (or at extremely low frequency if recessive) in Genome Aggregation Database.;Null variant in a gene where loss of function (LOF) is a known mechanism of disease.;Co-segregation with disease in multiple affected family members.;Patient's phenotype or family history is highly specific for a disease with a single genetic etiology.